The following is an entry in ClinVar:

NM_000155.4(GALT):c.536G>A (p.Gly179Asp)

Gene: GALT (galactose-1-phosphate uridylyltransferase; plus strand). Cytogenetic location: 9p13.3.
Variant type: single nucleotide variant.
Coding change: c.536G>A on transcript NM_000155.4 (MANE Select); coding-DNA position 536, G replaced by A.
Protein change: p.Gly179Asp; replaces glycine 179 with aspartic acid.
Molecular consequence: missense variant.
Genome position (GRCh38, 1-based): chr9:34,648,143, G>A. VCF-style: chr9-34648143-G-A. GRCh37 (hg19) VCF-style: chr9-34648140-G-A.
Other names: c.209G>A, p.Gly70Asp (NM_001258332.2); short protein forms G70D.
Identifiers: ClinVar variation 5004905 (VCV005004905.1), dbSNP rs111033720.
Genomic context (GRCh38, chr9:34,648,143, plus strand): 5'-GGCTAACAGAGCTCCGTATCCCTATCTGATAGATCTTTGAAAACAAAGGTGCCATGATGG[G>A]CTGTTCTAACCCCCACCCCCACTGCCAGGTAAGGGTGTCAGGGGCTCCAGTGGGTTTCTT-3'
Protein context (NP_000146.2, residues 169-189): QIFENKGAMM[Gly179Asp]CSNPHPHCQV

ClinVar aggregate classification (germline): Uncertain significance (1 of 4 stars; one submission).

Conditions:
Deficiency of UDPglucose-hexose-1-phosphate uridylyltransferase. Also called: GALACTOSE-1-PHOSPHATE URIDYLYLTRANSFERASE DEFICIENCY; GALT deficiency; Galactosemia, classic; GALACTOSEMIA I; Transferase Deficiency Galactosemia. Identifiers: Orphanet 352, Orphanet 79239, MedGen C0268151, MONDO:0009258, OMIM 230400.

Submission:

Myriad Genetics, Inc.
Classification: Uncertain significance for Deficiency of UDPglucose-hexose-1-phosphate uridylyltransferase. Last evaluated: 2026-05-19. Review status: criteria provided, single submitter. Criteria: Myriad Autosomal Dominant, Autosomal Recessive and X-Linked Classification Criteria (2023). Collection method: clinical testing. Allele origin: unknown.
Comment: NM_000155.3(GALT):c.536G>A(G179D) is a missense variant classified as a variant of uncertain significance in the context of galactosemia. G179D has been observed in cases with relevant disease (PMID: 10573007, 15670721, 17041746, 23924834). Relevant functional assessments of this variant are available in the literature (PMID: 10573007). G179D has not been observed in referenced population frequency databases. In summary, there is insufficient evidence to classify NM_000155.3(GALT):c.536G>A(G179D) as pathogenic or benign. Please note: this variant was assessed in the context of healthy population screening.

Literature cited by the submitters: PubMed 10573007; PubMed 15670721; PubMed 17041746; PubMed 23924834.